The following is an entry in ClinVar:

ClinVar aggregate classification (germline): Uncertain significance (1 of 4 stars; one submission).

Submission:

Labcorp Genetics (formerly Invitae), Labcorp
Classification: Uncertain significance. Last evaluated: 2025-02-17. Review status: criteria provided, single submitter. Criteria: Invitae Variant Classification Sherloc (09022015). Collection method: clinical testing. Allele origin: germline.
Comment: This variant, c.6308_6313del, results in the deletion of 2 amino acid(s) of the CACNA1E protein (p.Val2103_Ser2104del), but otherwise preserves the integrity of the reading frame. This variant is not present in population databases (gnomAD no frequency). This variant has not been reported in the literature in individuals affected with CACNA1E-related conditions. In summary, the available evidence is currently insufficient to determine the role of this variant in disease. Therefore, it has been classified as a Variant of Uncertain Significance.

NM_001205293.3(CACNA1E):c.6437_6442del (p.Val2146_Ser2147del)

Gene: CACNA1E (calcium voltage-gated channel subunit alpha1 E; plus strand). Cytogenetic location: 1q25.3.
Variant type: Deletion.
Coding change: c.6437_6442del on transcript NM_001205293.3 (MANE Select); coding-DNA positions 6437 to 6442, 6 bases deleted (TCTCTG; older notation c.6437_6442delTCTCTG).
Protein change: p.Val2146_Ser2147del.
Molecular consequence: inframe deletion.
Genome position (GRCh38, 1-based): chr1:181,798,329-181,798,334, TCTCTG deleted; deleting any 6 consecutive bases within chr1:181,798,324-181,798,334 gives the same sequence; the c. name uses the placement nearest the transcript's 3' end. VCF-style (leftmost placement, unchanged base first): chr1-181798323-CCTCTGT-C. GRCh37 (hg19) VCF-style: chr1-181767459-CCTCTGT-C.
Other names: c.6308_6313del, p.Val2103_Ser2104del (NM_000721.4); c.6251_6256del, p.Val2084_Ser2085del (NM_001205294.2).
Identifiers: ClinVar variation 4750919 (VCV004750919.1).